The following is an entry in ClinVar:

NM_001365951.3(KIF1B):c.4208A>G (p.Asp1403Gly)

Gene: KIF1B (kinesin family member 1B; plus strand). Cytogenetic location: 1p36.22.
Variant type: single nucleotide variant.
Coding change: c.4208A>G on transcript NM_001365951.3 (MANE Select); coding-DNA position 4208, A replaced by G.
Protein change: p.Asp1403Gly; replaces aspartic acid 1403 with glycine.
Molecular consequence: missense variant.
Genome position (GRCh38, 1-based): chr1:10,361,729, A>G. VCF-style: chr1-10361729-A-G. GRCh37 (hg19) VCF-style: chr1-10421787-A-G.
Other names: c.4208A>G, p.Asp1403Gly (NM_001365952.1); c.4070A>G, p.Asp1357Gly (NM_015074.3); short protein forms D1403G, D1357G.
Identifiers: ClinVar variation 2560523 (VCV002560523.2), dbSNP rs1638428946, ClinGen allele CA338317247.

ClinVar aggregate classification (germline): Uncertain significance (1 of 4 stars; one submission).

Allele frequency attached by ClinVar (database versions not stated): TOPMed below 0.00001; gnomAD 0.00001.
gnomAD v4.1: 1 of 1,613,928 alleles (0.000062%); highest among the groups gnomAD compares: African/African-American, 0.0013%; no homozygotes.

Submission:

Ambry Genetics
Classification: Uncertain significance. Last evaluated: 2023-05-28. Review status: criteria provided, single submitter. Criteria: Ambry Variant Classification Scheme 2023. Collection method: clinical testing. Allele origin: germline.
Comment: The p.D1357G variant (also known as c.4070A>G), located in coding exon 37 of the KIF1B gene, results from an A to G substitution at nucleotide position 4070. The aspartic acid at codon 1357 is replaced by glycine, an amino acid with similar properties. This amino acid position is conserved. In addition, this alteration is predicted to be deleterious by in silico analysis. Since supporting evidence is limited at this time, the clinical significance of this alteration remains unclear.